The following is an entry in ClinVar:

ClinVar aggregate classification (germline): Benign/Likely benign. Review status: criteria provided, multiple submitters, no conflicts (2 of 4 stars). 3 submissions from 3 submitters: Benign (1); Likely benign (2). Last evaluated 2026-06-01.

Allele frequency attached by ClinVar (database versions not stated): 1000 Genomes Project 30x 0.00031; 1000 Genomes Project 0.00040; gnomAD 0.00177 and 0.00185; ExAC 0.00179; TOPMed 0.00181; ESP Exome Variant Server 0.00185; gnomAD exomes 0.00185 and 0.00199.
gnomAD v4.1: 3,214 of 1,614,224 alleles (0.2%); highest among the groups gnomAD compares: Middle Eastern, 0.23%; 10 homozygotes.

Submissions (3):

CeGaT Center for Human Genetics Tuebingen
Classification: Likely benign. Last evaluated: 2026-06-01. Review status: criteria provided, single submitter. Criteria: CeGaT Center For Human Genetics Tuebingen Variant Classification Criteria Version 2. Collection method: clinical testing. Allele origin: germline. Affected: yes. Observed: 2 variant alleles.
Comment: CEP250: BP4, BS2

Labcorp Genetics (formerly Invitae), Labcorp
Classification: Benign. Last evaluated: 2026-02-02. Review status: criteria provided, single submitter. Criteria: Invitae Variant Classification Sherloc (09022015). Collection method: clinical testing. Allele origin: germline.

Blueprint Genetics
Classification: Likely benign. Last evaluated: 2024-11-25. Review status: criteria provided, single submitter. Criteria: ACMG Guidelines, 2015. Collection method: clinical testing. Allele origin: germline.

NM_007186.6(CEP250):c.6386A>G (p.His2129Arg)

Gene: CEP250 (centrosomal protein 250; plus strand). Cytogenetic location: 20q11.22.
Variant type: single nucleotide variant.
Coding change: c.6386A>G on transcript NM_007186.6 (MANE Select); coding-DNA position 6386, A replaced by G.
Protein change: p.His2129Arg; replaces histidine 2129 with arginine.
Molecular consequence: missense variant.
Genome position (GRCh38, 1-based): chr20:35,504,755, A>G. VCF-style: chr20-35504755-A-G. GRCh37 (hg19) VCF-style: chr20-34092583-A-G.
Other names: c.4490A>G, p.His1497Arg (NM_001318219.1); short protein forms H1497R, H2129R.
Identifiers: ClinVar variation 1170816 (VCV001170816.28), dbSNP rs61729984, ClinGen allele CA9834055.